The following is an entry in ClinVar:

ClinVar aggregate classification (germline): Uncertain significance (1 of 4 stars; one submission).

Conditions:
Hereditary cancer-predisposing syndrome. Also called: Neoplastic Syndromes, Hereditary; Tumor predisposition; Hereditary Cancer Syndrome; Hereditary neoplastic syndrome. Identifiers: Orphanet 140162, MedGen C0027672, MeSH D009386, MONDO:0015356.

Submission:

Ambry Genetics
Classification: Uncertain significance for Hereditary cancer-predisposing syndrome. Last evaluated: 2026-01-29. Review status: criteria provided, single submitter. Criteria: Ambry Variant Classification Scheme 2023. Collection method: clinical testing. Allele origin: germline.
Comment: The p.M197L variant (also known as c.589A>C), located in coding exon 4 of the CDK4 gene, results from an A to C substitution at nucleotide position 589. The methionine at codon 197 is replaced by leucine, an amino acid with highly similar properties. This amino acid position is not well conserved in available vertebrate species. In addition, this alteration is predicted to be tolerated by in silico analysis. Based on the available evidence, the clinical significance of this variant remains unclear.

NM_000075.4(CDK4):c.589A>C (p.Met197Leu)

Gene: CDK4 (cyclin dependent kinase 4; minus strand). Cytogenetic location: 12q14.1.
Variant type: single nucleotide variant.
Coding change: c.589A>C on transcript NM_000075.4 (MANE Select); coding-DNA position 589, A replaced by C.
Protein change: p.Met197Leu; replaces methionine 197 with leucine.
Molecular consequence: missense variant.
Genome position (GRCh38, 1-based): chr12:57,750,699, T>G on the plus strand (A>C on the coding strand, the complement: CDK4 is on the minus strand). VCF-style: chr12-57750699-T-G. GRCh37 (hg19) VCF-style: chr12-58144482-T-G.
Other names: short protein forms M197L.
Identifiers: ClinVar variation 4824892 (VCV004824892.1).
Genomic context (GRCh38, chr12:57,750,699, plus strand): 5'-GTATGTGGGTCCCATACTTTCGACGAAACATCTCTGCAAAGATACAGCCAACACTCCACA[T>G]GTCCACAGGTGTTGCATATGTGGACTGCAGAAGAACTTCGGGAGCTCGGTACCAGAGTGT-3'
Protein context (NP_000066.1, residues 187-207): LQSTYATPVD[Met197Leu]WSVGCIFAEM